The following is an entry in ClinVar:

NM_017739.4(POMGNT1):c.287G>C (p.Arg96Pro)

Gene: POMGNT1 (protein O-linked mannose N-acetylglucosaminyltransferase 1 (beta 1,2-); minus strand). Cytogenetic location: 1p34.1.
Variant type: single nucleotide variant.
Coding change: c.287G>C on transcript NM_017739.4 (MANE Select); coding-DNA position 287, G replaced by C.
Protein change: p.Arg96Pro; replaces arginine 96 with proline.
Molecular consequence: missense variant. On other transcripts: 5 prime UTR variant (1).
Genome position (GRCh38, 1-based): chr1:46,196,798, C>G on the plus strand (G>C on the coding strand, the complement: POMGNT1 is on the minus strand). VCF-style: chr1-46196798-C-G. GRCh37 (hg19) VCF-style: chr1-46662470-C-G.
Other names: c.287G>C, p.Arg96Pro (NM_001243766.2, NM_001410783.1); c.221G>C, p.Arg74Pro (NM_001290129.3); c.-143G>C (NM_001290130.2); short protein forms R96P, R74P.
Identifiers: ClinVar variation 450326 (VCV000450326.12), dbSNP rs200227264, ClinGen allele CA833796.

ClinVar aggregate classification (germline): Uncertain significance. Review status: criteria provided, multiple submitters, no conflicts (2 of 4 stars). 6 submissions from 6 submitters: Uncertain significance (5). 1 of the submissions does not count toward it. Last evaluated 2024-07-17.

Conditions:
Inborn genetic diseases. Identifiers: MedGen C0950123, MeSH D030342.
Muscular dystrophy-dystroglycanopathy (congenital with impaired intellectual development), type B, 3. Also called: Muscular dystrophy-dystroglycanopathy (congenital with intellectual disability), type B3; MUSCULAR DYSTROPHY, CONGENITAL, POMGNT1-RELATED. Identifiers: MedGen C3150412, MONDO:0013155, OMIM 613151.
Autosomal recessive limb-girdle muscular dystrophy type 2O. Also called: Limb-Girdle Muscular Dystrophy Type 3C; MUSCULAR DYSTROPHY-DYSTROGLYCANOPATHY (LIMB-GIRDLE), TYPE C, 3; MUSCULAR DYSTROPHY-DYSTROGLYCANOPATHY, LIMB-GIRDLE, POMGNT1-RELATED. Identifiers: Orphanet 206564, MedGen C3150417, MONDO:0013161, OMIM 613157.
Muscle eye brain disease (MEB). Also called: Santavuori congenital muscular dystrophy. Identifiers: Orphanet 588, Orphanet 899, MedGen C0457133, MONDO:0018939.

Allele frequency attached by ClinVar (database versions not stated): gnomAD 0.00003; TOPMed 0.00004; ESP Exome Variant Server 0.00008.
gnomAD v4.1: 45 of 1,614,094 alleles (0.0028%); highest among the groups gnomAD compares: Non-Finnish European, 0.0038%; no homozygotes.

Submissions (6):

Ambry Genetics
Classification: Uncertain significance for Inborn genetic diseases. Last evaluated: 2024-07-17. Review status: criteria provided, single submitter. Criteria: Ambry Variant Classification Scheme 2023. Collection method: clinical testing. Allele origin: germline.

Blueprint Genetics
Classification: Uncertain significance. Last evaluated: 2023-08-07. Review status: criteria provided, single submitter. Criteria: ACMG Guidelines, 2015. Collection method: clinical testing. Allele origin: germline.

Labcorp Genetics (formerly Invitae), Labcorp
Classification: Uncertain significance for Autosomal recessive limb-girdle muscular dystrophy type 2O; Muscular dystrophy-dystroglycanopathy (congenital with impaired intellectual development), type B, 3. Last evaluated: 2022-08-02. Review status: criteria provided, single submitter. Criteria: Invitae Variant Classification Sherloc (09022015). Collection method: clinical testing. Allele origin: germline.
Comment: This sequence change replaces arginine, which is basic and polar, with proline, which is neutral and non-polar, at codon 96 of the POMGNT1 protein (p.Arg96Pro). This variant is present in population databases (rs200227264, gnomAD 0.004%). This variant has not been reported in the literature in individuals affected with POMGNT1-related conditions. ClinVar contains an entry for this variant (Variation ID: 450326). Advanced modeling of protein sequence and biophysical properties (such as structural, functional, and spatial information, amino acid conservation, physicochemical variation, residue mobility, and thermodynamic stability) performed at Invitae indicates that this missense variant is not expected to disrupt POMGNT1 protein function. In summary, the available evidence is currently insufficient to determine the role of this variant in disease. Therefore, it has been classified as a Variant of Uncertain Significance.

Revvity Omics, Revvity
Classification: Uncertain significance. Last evaluated: 2019-01-23. Review status: criteria provided, single submitter. Criteria: ACMG Guidelines, 2015. Collection method: clinical testing. Allele origin: germline.

GeneDx
Classification: Uncertain significance. Last evaluated: 2017-06-30. Review status: criteria provided, single submitter. Criteria: GeneDx Variant Classification (06012015). Collection method: clinical testing. Allele origin: germline. Affected: yes.
Comment: The R96P variant has not been published as a pathogenic variant, nor has it been reported as a benign variant to our knowledge. It is not observed at a significant frequency in large population cohorts (Lek et al., 2016; 1000 Genomes Consortium et al., 2015; Exome Variant Server). The R96P ariant is a non-conservative amino acid substitution, which is likely to impact secondary protein structure as these residues differ in polarity, charge, size and/or other properties. However, this substitution occurs at a position that is not conserved. In silico analysis is inconsistent in its predictions as to whether or not the variant is damaging to the protein structure/function.

Natera, Inc.
Classification: Uncertain significance for Muscle-eye-brain disease. Last evaluated: 2019-10-28. Review status: no assertion criteria provided. Collection method: clinical testing. Allele origin: germline. Not counted in ClinVar's aggregate classification.